The following is an entry in ClinVar:

NM_001167623.2(CACNA1C):c.3912+1G>A

Gene: CACNA1C (calcium voltage-gated channel subunit alpha1 C; plus strand). Cytogenetic location: 12p13.33.
Variant type: single nucleotide variant.
Coding change: c.3912+1G>A on transcript NM_001167623.2 (MANE Plus Clinical); the canonical splice donor site of the intron after coding-DNA position 3912, G replaced by A.
Molecular consequence: splice donor variant. On other transcripts: intron variant (13).
Genome position (GRCh38, 1-based): chr12:2,633,713, G>A. VCF-style: chr12-2633713-G-A. GRCh37 (hg19) VCF-style: chr12-2742879-G-A.
Other names: c.3912+1G>A (NM_001167624.3, NM_001129831.2, NM_001129833.2 and 3 more transcripts); c.3829-584G>A (NM_001167625.2, NM_001129840.2, NM_001129829.2 and 9 more transcripts); c.3972+1G>A (NM_199460.4, NM_001129827.2); c.3889-584G>A (NM_001129832.2); c.3903+1G>A (NM_001129844.2).
Identifiers: ClinVar variation 190663 (VCV000190663.2), dbSNP rs786205761, ClinGen allele CA301466.

ClinVar aggregate classification (germline): Uncertain significance (1 of 4 stars; one submission).

Allele frequency attached by ClinVar (database versions not stated): gnomAD exomes below 0.00001; TOPMed below 0.00001; gnomAD 0.00001.
gnomAD v4.1: 5 of 1,558,680 alleles (0.00032%); highest among the groups gnomAD compares: African/African-American, 0.0014%; no homozygotes.

Submission:

GeneDx
Classification: Uncertain significance. Last evaluated: 2012-06-08. Review status: criteria provided, single submitter. Criteria: GeneDx Variant Classification (06012015). Collection method: clinical testing. Allele origin: germline. Affected: yes.
Comment: IVS31+1 G>A: c.3972+1 G>A in intron 31 in an alternative transcript of the CACNA1C gene (NM_199460.2). The c.3972+1 G>A variant in the CACNA1C gene has not been reported as a disease causing mutation or as a benign polymorphism, to our knowledge. The c.3972+1 G>A variant destroys the canonical splice donor site in intron 31; however, this variant occurs in an alternative transcript of the CACNA1C gene where no mutations have been reported in association with LQTS or Timothy syndrome. In summary, with the clinical and molecular information available at this time, we cannot determine whether c.3972+1 G>A in the CACNA1C gene is a disease-causing mutation or a benign variant. The variant is found in LQT panel(s).